The following is an entry in ClinVar:

NM_015443.4(KANSL1):c.937G>A (p.Val313Ile)

Gene: KANSL1 (KAT8 regulatory NSL complex subunit 1). Cytogenetic location: 17q21.31.
Variant type: single nucleotide variant.
Coding change: c.937G>A on transcript NM_015443.4 (MANE Select); coding-DNA position 937, G replaced by A.
Protein change: p.Val313Ile; replaces valine 313 with isoleucine.
Molecular consequence: missense variant. On other transcripts: intron variant (4).
Genome position (GRCh38, 1-based): chr17:46,171,207, C>T on the plus strand (G>A on the coding strand, the complement: KANSL1 is on the minus strand). VCF-style: chr17-46171207-C-T. GRCh37 (hg19) VCF-style: chr17-44248573-C-T.
Other names: c.937G>A, p.Val313Ile (NM_001193465.2, NM_001193466.2, NM_001405873.1 and 18 more transcripts); c.23+52464G>A (NM_001405885.1, NM_001405884.1, NM_001405883.1 and 1 more transcripts); short protein forms V313I.
Identifiers: ClinVar variation 4622437 (VCV004622437.1).

ClinVar aggregate classification (germline): Uncertain significance (1 of 4 stars; one submission).

Conditions:
Inborn genetic diseases. Identifiers: MedGen C0950123, MeSH D030342.

Submission:

Ambry Genetics
Classification: Uncertain significance for Inborn genetic diseases. Last evaluated: 2025-10-07. Review status: criteria provided, single submitter. Criteria: Ambry Variant Classification Scheme 2023. Collection method: clinical testing. Allele origin: germline.
Comment: The c.937G>A (p.V313I) alteration is located in exon 2 (coding exon 1) of the KANSL1 gene. This alteration results from a G to A substitution at nucleotide position 937, causing the valine (V) at amino acid position 313 to be replaced by an isoleucine (I). Based on data from gnomAD, the A allele has an overall frequency of 0.003% (1/31404) total alleles studied. The highest observed frequency was 0.064% (1/1560) of East Asian alleles. Based on insufficient or conflicting evidence, the clinical significance of this alteration remains unclear.